The following is an entry in ClinVar:

NM_002878.4(RAD51D):c.866G>T (p.Gly289Val)

Genes: RAD51L3-RFFL (RAD51L3-RFFL readthrough; minus strand), RAD51D (RAD51 paralog D; minus strand). Cytogenetic location: 17q12.
Variant type: single nucleotide variant.
Coding change: c.866G>T on transcript NM_002878.4 (MANE Select); coding-DNA position 866, G replaced by T.
Protein change: p.Gly289Val; replaces glycine 289 with valine.
Molecular consequence: missense variant. On other transcripts: non-coding transcript variant (3).
Genome position (GRCh38, 1-based): chr17:35,101,238, C>A on the plus strand (G>T on the coding strand, the complement: RAD51D is on the minus strand). VCF-style: chr17-35101238-C-A. GRCh37 (hg19) VCF-style: chr17-33428257-C-A.
Other names: c.926G>T, p.Gly309Val (NM_001142571.2); c.530G>T, p.Gly177Val (NM_133629.3); short protein forms G309V, G177V, G289V.
Identifiers: ClinVar variation 652553 (VCV000652553.11), dbSNP rs1597855853, ClinGen allele CA399086454.

ClinVar aggregate classification (germline): Uncertain significance. Review status: criteria provided, multiple submitters, no conflicts (2 of 4 stars). 3 submissions from 3 submitters: Uncertain significance (3). Last evaluated 2025-08-29.

Conditions:
Hereditary cancer-predisposing syndrome. Also called: Neoplastic Syndromes, Hereditary; Tumor predisposition; Hereditary Cancer Syndrome; Hereditary neoplastic syndrome. Identifiers: Orphanet 140162, MedGen C0027672, MeSH D009386, MONDO:0015356.
Breast-ovarian cancer, familial, susceptibility to, 4. Identifiers: Orphanet 145, MedGen C3280345, MONDO:0013669, OMIM 614291.

Submissions (3):

Ambry Genetics
Classification: Uncertain significance for Hereditary cancer-predisposing syndrome. Last evaluated: 2025-08-29. Review status: criteria provided, single submitter. Criteria: Ambry Variant Classification Scheme 2023. Collection method: clinical testing. Allele origin: germline.
Comment: The p.G289V variant (also known as c.866G>T), located in coding exon 9 of the RAD51D gene, results from a G to T substitution at nucleotide position 866. The glycine at codon 289 is replaced by valine, an amino acid with dissimilar properties. This amino acid position is conserved. In addition, this alteration is predicted to be tolerated by in silico analysis. Since supporting evidence is limited at this time, the clinical significance of this alteration remains unclear.

Labcorp Genetics (formerly Invitae), Labcorp
Classification: Uncertain significance for Breast-ovarian cancer, familial, susceptibility to, 4. Last evaluated: 2025-02-11. Review status: criteria provided, single submitter. Criteria: Invitae Variant Classification Sherloc (09022015). Collection method: clinical testing. Allele origin: germline.
Comment: This sequence change replaces glycine, which is neutral and non-polar, with valine, which is neutral and non-polar, at codon 289 of the RAD51D protein (p.Gly289Val). This variant is not present in population databases (gnomAD no frequency). This variant has not been reported in the literature in individuals affected with RAD51D-related conditions. ClinVar contains an entry for this variant (Variation ID: 652553). Invitae Evidence Modeling of protein sequence and biophysical properties (such as structural, functional, and spatial information, amino acid conservation, physicochemical variation, residue mobility, and thermodynamic stability) indicates that this missense variant is not expected to disrupt RAD51D protein function with a negative predictive value of 80%. In summary, the available evidence is currently insufficient to determine the role of this variant in disease. Therefore, it has been classified as a Variant of Uncertain Significance.

GeneDx
Classification: Uncertain significance. Last evaluated: 2023-01-05. Review status: criteria provided, single submitter. Criteria: GeneDx Variant Classification Process June 2021. Collection method: clinical testing. Allele origin: germline. Affected: yes.
Comment: Not observed at significant frequency in large population cohorts (gnomAD); In silico analysis supports that this missense variant does not alter protein structure/function; Has not been previously published as pathogenic or benign to our knowledge; This variant is associated with the following publications: (PMID: 14704354, 19327148, 21111057)